The following is an entry in ClinVar:

ClinVar aggregate classification (germline): Pathogenic (1 of 4 stars; one submission).

Conditions:
CHD8-related disorder. Also called: CHD8-related condition; CHD8-related disorders.

Submission:

GeneDx
Classification: Pathogenic. Last evaluated: 2020-06-12. Review status: criteria provided, single submitter. Criteria: GeneDx Variant Classification Process June 2021. Collection method: clinical testing. Allele origin: germline. Affected: yes.
Comment: Nonsense variant predicted to result in protein truncation or nonsense mediated decay in a gene for which loss-of-function is a known mechanism of disease; Not observed in large population cohorts (Lek et al., 2016); Has not been previously published as pathogenic or benign to our knowledge

NM_001170629.2(CHD8):c.142C>T (p.Gln48Ter)

Gene: CHD8 (chromodomain helicase DNA binding protein 8; minus strand). Cytogenetic location: 14q11.2.
Variant type: single nucleotide variant.
Coding change: c.142C>T on transcript NM_001170629.2 (MANE Select); coding-DNA position 142, C replaced by T.
Protein change: p.Gln48Ter; replaces glutamine 48 with a stop codon.
Molecular consequence: nonsense. On other transcripts: intron variant (1).
Genome position (GRCh38, 1-based): chr14:21,431,502, G>A on the plus strand (C>T on the coding strand, the complement: CHD8 is on the minus strand). VCF-style: chr14-21431502-G-A. GRCh37 (hg19) VCF-style: chr14-21899661-G-A.
Other names: c.6+309C>T (NM_020920.4); short protein forms Q48*.
Identifiers: ClinVar variation 816973 (VCV000816973.4), dbSNP rs1555318734, ClinGen allele CA388890829.